The following is an entry in ClinVar:

ClinVar aggregate classification (germline): Conflicting classifications of pathogenicity. Review status: criteria provided, conflicting classifications (1 of 4 stars). 11 submissions from 8 submitters: Pathogenic (1); Likely pathogenic (1); Uncertain significance (4). 5 of the submissions do not count toward it. Last evaluated 2026-02-18.

Conditions:
Distal spinal muscular atrophy. Also called: Distal hereditary motor neuronopathy; Distal hereditary motor neuropathy. Identifiers: Orphanet 53739, MedGen C0393541, MONDO:0018894.
Charcot-Marie-Tooth disease type 2. Also called: Charcot-Marie-Tooth type 2. Identifiers: Orphanet 64746, MedGen C0270914, MONDO:0018993.
Charcot-Marie-Tooth disease. Also called: Charcot-Marie-Tooth Hereditary Neuropathy; Charcot-Marie-Tooth Neuropathy. Identifiers: Orphanet 166, MedGen C0007959, MONDO:0015626.
Charcot-Marie-Tooth disease type 2D (CMT2D). Also called: CHARCOT-MARIE-TOOTH DISEASE, AXONAL, TYPE 2D; CHARCOT-MARIE-TOOTH DISEASE, NEURONAL, TYPE 2D; Charcot-Marie-Tooth Neuropathy Type 2D; GARS1 Adolescent- or Early Adult-Onset Hereditary Motor/Sensory Neuropathy (GARS1-HMSN). Identifiers: Orphanet 99938, MedGen C1832274, MONDO:0011091, OMIM 601472.
Neuronopathy, distal hereditary motor, type 5A (HMND5). Also called: DHMN VA; Distal Spinal Muscular Atrophy V (dSMA-V); NEURONOPATHY, DISTAL HEREDITARY MOTOR, AUTOSOMAL DOMINANT 5; Distal Spinal Muscular Atrophy V. Identifiers: Orphanet 139536, MedGen CN031873, MONDO:0015353, OMIM 600794.

Allele frequency attached by ClinVar (database versions not stated): ExAC 0.00003; TOPMed 0.00001; gnomAD exomes 0.00002; gnomAD 0.00001.
gnomAD v4.1: 17 of 1,607,964 alleles (0.0011%); highest among the groups gnomAD compares: South Asian, 0.0033%; no homozygotes.

Submissions (11):

Women's Health and Genetics/Laboratory Corporation of America, LabCorp
Classification: Uncertain significance. Last evaluated: 2026-02-18. Review status: criteria provided, single submitter. Criteria: LabCorp Variant Classification Summary - May 2015. Collection method: clinical testing. Allele origin: germline.
Comment: Variant summary: GARS1 c.1660G>A (p.Asp554Asn) results in a conservative amino acid change in the encoded protein sequence. Algorithms developed to predict the effect of missense changes on protein structure and function are either unavailable or do not agree on the potential impact of this missense change. The variant allele was found at a frequency of 1.2e-05 in 1174638 control chromosomes, predominantly at a frequency of 1.2e-05 within the Non-Finnish European subpopulation in the gnomAD database. The observed variant frequency within Non-Finnish European control individuals in the gnomAD database exceeds the estimated maximal expected allele frequency for disease-causing variants in GARS1. c.1660G>A has been observed in the heterozygous state in multiple individual(s) affected with clinical features of Charcot-Marie-Tooth disease type 2D (example, Ek_2023, del Bo_2006) including at least 1 family where it segregated with a highly variable disease with a wide range of onset. At least 2 publications report experimental evidence evaluating an impact on protein function. These results showed conflicting evidence in vitro (example, Griffin_2014, Nangle_2007). The following publications have been ascertained in the context of this evaluation (PMID: 33753480, 26797133, 26503042, 27876679, 20152552, 26138142, 29520015, 25525159, 30083128, 26244500, 36833180, 37273706, 19329989, 29288497, 23427196, 22462675, 30643024, 27352040, 25168514, 19470612, 16534118, 34426522, 33236345, 25476837, 17544401, 34942918, 28594869, 17142907, 16982418, 28471432, 17101916, 21902652, 17529987, 17595294, 34680913, 25420567). ClinVar contains an entry for this variant (Variation ID: 9208). Based on the evidence outlined above, the variant was classified as uncertain significance.

Labcorp Genetics (formerly Invitae), Labcorp
Classification: Likely pathogenic for Charcot-Marie-Tooth disease type 2. Last evaluated: 2024-12-06. Review status: criteria provided, single submitter. Criteria: Invitae Variant Classification Sherloc (09022015). Collection method: clinical testing. Allele origin: germline.
Comment: This sequence change replaces aspartic acid, which is acidic and polar, with asparagine, which is neutral and polar, at codon 554 of the GARS protein (p.Asp554Asn). This variant is present in population databases (rs137852647, gnomAD 0.005%). This missense change has been observed in individual(s) with clinical features of autosomal dominant GARS-related conditions (PMID: 16534118, 37273706). It has also been observed to segregate with disease in related individuals. This variant is also known as p.Asp500Asn. ClinVar contains an entry for this variant (Variation ID: 9208). Invitae Evidence Modeling of protein sequence and biophysical properties (such as structural, functional, and spatial information, amino acid conservation, physicochemical variation, residue mobility, and thermodynamic stability) indicates that this missense variant is not expected to disrupt GARS protein function with a negative predictive value of 95%. Experimental studies have shown that this missense change affects GARS function (PMID: 17595294). In summary, the currently available evidence indicates that the variant is pathogenic, but additional data are needed to prove that conclusively. Therefore, this variant has been classified as Likely Pathogenic.

Institute of Human Genetics, University of Leipzig Medical Center
Classification: Pathogenic for Charcot-Marie-Tooth disease type 2D. Last evaluated: 2019-01-01. Review status: criteria provided, single submitter. Criteria: ACMG Guidelines, 2015. Collection method: clinical testing. Allele origin: unknown. Affected: yes.

Illumina Laboratory Services, Illumina
Classification: Uncertain significance for Distal Spinal Muscular Atrophy. Last evaluated: 2017-06-16. Review status: criteria provided, single submitter. Criteria: ICSL Variant Classification Criteria 13 December 2019. Collection method: clinical testing. Allele origin: germline.

Illumina Laboratory Services, Illumina
Classification: Uncertain significance for Distal hereditary motor neuronopathy type 5. Last evaluated: 2017-06-16. Review status: criteria provided, single submitter. Criteria: ICSL Variant Classification Criteria 13 December 2019. Collection method: clinical testing. Allele origin: germline.

Illumina Laboratory Services, Illumina
Classification: Uncertain significance for Charcot-Marie-Tooth disease type 2D. Last evaluated: 2017-06-16. Review status: criteria provided, single submitter. Criteria: ICSL Variant Classification Criteria 13 December 2019. Collection method: clinical testing. Allele origin: germline.
Comment: This variant was observed as part of a predisposition screen in an ostensibly healthy population. A literature search was performed for the gene, cDNA change, and amino acid change (where applicable). Publications were found based on this search. However, the evidence from the literature, in combination with allele frequency data from public databases where available, was not sufficient to rule this variant in or out of causing disease. Therefore, this variant is classified as a variant of unknown significance.

Inherited Neuropathy Consortium Ii, University Of Miami
Classification: Uncertain significance for Charcot-Marie-Tooth disease type 2D. Last evaluated: 2016-01-06. Review status: no assertion criteria provided. Collection method: literature only. Allele origin: germline. Affected: yes. Not counted in ClinVar's aggregate classification.

OMIM
Classification: Pathogenic for CHARCOT-MARIE-TOOTH DISEASE, AXONAL, TYPE 2D. Last evaluated: 2014-11-01. Review status: no assertion criteria provided. Collection method: literature only. Allele origin: germline. Not counted in ClinVar's aggregate classification.

OMIM
Classification: Pathogenic for NEURONOPATHY, DISTAL HEREDITARY MOTOR, AUTOSOMAL DOMINANT 5. Last evaluated: 2014-11-01. Review status: no assertion criteria provided. Collection method: literature only. Allele origin: germline. Not counted in ClinVar's aggregate classification.

GeneReviews
No classification provided. Condition: Charcot-Marie-Tooth disease type 2D. Review status: no classification provided. Collection method: literature only. Allele origin: germline. Not counted in ClinVar's aggregate classification.
Comment: GARS1-HMSN (CMT2D & dSMA-V) [Del Bo et al 2006]

Inherited Neuropathy Consortium
Classification: Uncertain significance for Charcot-Marie-Tooth disease. Review status: no assertion criteria provided. Collection method: literature only. Allele origin: germline. Affected: yes. Not counted in ClinVar's aggregate classification.

Literature cited by the submitters: PubMed 25525159 (cited by Women's Health and Genetics/Laboratory Corporation of America, LabCorp); PubMed 34426522 (cited by Women's Health and Genetics/Laboratory Corporation of America, LabCorp); PubMed 37273706 (cited by Women's Health and Genetics/Laboratory Corporation of America, LabCorp and Labcorp Genetics (formerly Invitae), Labcorp); PubMed 29520015 (cited by Women's Health and Genetics/Laboratory Corporation of America, LabCorp); PubMed 17595294 (cited by 3 submitters); PubMed 28471432 (cited by Women's Health and Genetics/Laboratory Corporation of America, LabCorp); PubMed 25168514 (cited by 3 submitters); PubMed 33753480 (cited by Women's Health and Genetics/Laboratory Corporation of America, LabCorp); PubMed 34680913 (cited by Women's Health and Genetics/Laboratory Corporation of America, LabCorp); PubMed 17529987 (cited by Women's Health and Genetics/Laboratory Corporation of America, LabCorp); PubMed 26797133 (cited by Women's Health and Genetics/Laboratory Corporation of America, LabCorp); PubMed 26503042 (cited by Women's Health and Genetics/Laboratory Corporation of America, LabCorp); PubMed 27876679 (cited by Women's Health and Genetics/Laboratory Corporation of America, LabCorp); PubMed 20152552 (cited by Women's Health and Genetics/Laboratory Corporation of America, LabCorp); PubMed 26138142 (cited by Women's Health and Genetics/Laboratory Corporation of America, LabCorp); PubMed 30083128 (cited by Women's Health and Genetics/Laboratory Corporation of America, LabCorp); PubMed 26244500 (cited by Women's Health and Genetics/Laboratory Corporation of America, LabCorp); PubMed 36833180 (cited by Women's Health and Genetics/Laboratory Corporation of America, LabCorp); PubMed 19329989 (cited by Women's Health and Genetics/Laboratory Corporation of America, LabCorp); PubMed 29288497 (cited by Women's Health and Genetics/Laboratory Corporation of America, LabCorp); PubMed 23427196 (cited by Women's Health and Genetics/Laboratory Corporation of America, LabCorp); PubMed 30643024 (cited by Women's Health and Genetics/Laboratory Corporation of America, LabCorp); PubMed 27352040 (cited by Women's Health and Genetics/Laboratory Corporation of America, LabCorp); PubMed 22462675 (cited by Women's Health and Genetics/Laboratory Corporation of America, LabCorp); PubMed 19470612 (cited by Women's Health and Genetics/Laboratory Corporation of America, LabCorp); PubMed 21902652 (cited by Women's Health and Genetics/Laboratory Corporation of America, LabCorp); PubMed 17101916 (cited by Women's Health and Genetics/Laboratory Corporation of America, LabCorp); PubMed 16982418 (cited by Women's Health and Genetics/Laboratory Corporation of America, LabCorp); PubMed 17142907 (cited by Women's Health and Genetics/Laboratory Corporation of America, LabCorp); PubMed 28594869 (cited by Women's Health and Genetics/Laboratory Corporation of America, LabCorp); PubMed 34942918 (cited by Women's Health and Genetics/Laboratory Corporation of America, LabCorp); PubMed 25476837 (cited by Women's Health and Genetics/Laboratory Corporation of America, LabCorp and Illumina Laboratory Services, Illumina); PubMed 17544401 (cited by Women's Health and Genetics/Laboratory Corporation of America, LabCorp); PubMed 33236345 (cited by Women's Health and Genetics/Laboratory Corporation of America, LabCorp); PubMed 25420567 (cited by Women's Health and Genetics/Laboratory Corporation of America, LabCorp); PubMed 16534118 (cited by 7 submitters); PubMed 20301420 (cited by GeneReviews).

NM_002047.4(GARS1):c.1660G>A (p.Asp554Asn)

Gene: GARS1 (glycyl-tRNA synthetase 1; plus strand). Cytogenetic location: 7p14.3.
Variant type: single nucleotide variant.
Coding change: c.1660G>A on transcript NM_002047.4 (MANE Select); coding-DNA position 1660, G replaced by A.
Protein change: p.Asp554Asn; replaces aspartic acid 554 with asparagine.
Molecular consequence: missense variant.
Genome position (GRCh38, 1-based): chr7:30,626,280, G>A. VCF-style: chr7-30626280-G-A. GRCh37 (hg19) VCF-style: chr7-30665896-G-A.
Other names: c.1498G>A, p.Asp500Asn (NM_001316772.1); short protein forms D500N, D554N.
Identifiers: ClinVar variation 9208 (VCV000009208.17), dbSNP rs137852647, ClinGen allele CA254712.